The following is an entry in ClinVar:

ClinVar aggregate classification (germline): Pathogenic (1 of 4 stars; one submission).

Submission:

Labcorp Genetics (formerly Invitae), Labcorp
Classification: Pathogenic. Last evaluated: 2019-10-25. Review status: criteria provided, single submitter. Criteria: Invitae Variant Classification Sherloc (09022015). Collection method: clinical testing. Allele origin: germline.
Comment: For these reasons, this variant has been classified as Pathogenic. This variant disrupts the C-terminus of the ABCB11 protein. Other variant(s) that disrupt this region (p.Glu1302*, p.Tyr1311*, p.Gly1267Aspfs*28, p.Val1257Glyfs*40) have been observed in individuals with ABCB11-related conditions (PMID: 18395098, 23548013, 25847299, 9806540). This suggests that this may be a clinically significant region of the protein. This variant has not been reported in the literature in individuals with ABCB11-related conditions. This variant is a gross deletion of the genomic region encompassing exons 27-28 of the ABCB11 gene. The 5' boundary is likely confined to intron 26. The 3' end of this event is unknown as it extends through the termination codon beyond the assayed region for this gene and may encompass additional genes. While this deletion is not anticipated to result in nonsense mediated decay, it is expected to create a truncated protein product or disrupt mRNA translation.

Literature cited by the submitters: PubMed 18395098; PubMed 23548013; PubMed 25847299; PubMed 9806540.

NC_000002.12:g.(?_168923612)_(168924813_?)del

Gene: ABCB11 (ATP binding cassette subfamily B member 11; minus strand). Cytogenetic location: 2q31.1.
Variant type: Deletion.
Identifiers: ClinVar variation 832436 (VCV000832436.3).